The following is an entry in ClinVar:

ClinVar aggregate classification (germline): Benign/Likely benign. Review status: criteria provided, multiple submitters, no conflicts (2 of 4 stars). 4 submissions from 4 submitters: Benign (1); Likely benign (2). 1 of the submissions does not count toward it. Last evaluated 2025-10-18.

Conditions:
Androgen resistance syndrome (AIS). Also called: Androgen insensitivity syndrome due to coactivator deficiency; ANDROGEN RECEPTOR DEFICIENCY; DIHYDROTESTOSTERONE RECEPTOR DEFICIENCY; TESTICULAR FEMINIZATION SYNDROME; Androgen insensitivity; DHTR DEFICIENCY. Identifiers: Orphanet 754, Orphanet 99429, MedGen C0039585, MONDO:0019154, OMIM 300068. Disease mechanism: loss of function.
Kennedy disease (SMAX1). Also called: Spinal and Bulbar Muscular Atrophy; KENNEDY SPINAL AND BULBAR MUSCULAR ATROPHY; SPINAL AND BULBAR MUSCULAR ATROPHY, X-LINKED 1. Identifiers: Orphanet 481, MedGen C1839259, MONDO:0010735, OMIM 313200.
AR-related disorder. Also called: AR-related condition.

Submissions (4):

Labcorp Genetics (formerly Invitae), Labcorp
Classification: Benign for Kennedy disease; Androgen resistance syndrome. Last evaluated: 2025-10-18. Review status: criteria provided, single submitter. Criteria: Invitae Variant Classification Sherloc (09022015). Collection method: clinical testing. Allele origin: germline.

Blueprint Genetics
Classification: Likely benign. Last evaluated: 2024-11-21. Review status: criteria provided, single submitter. Criteria: ACMG Guidelines, 2015. Collection method: clinical testing. Allele origin: germline.

CeGaT Center for Human Genetics Tuebingen
Classification: Likely benign. Last evaluated: 2023-12-01. Review status: criteria provided, single submitter. Criteria: CeGaT Center For Human Genetics Tuebingen Variant Classification Criteria Version 2. Collection method: clinical testing. Allele origin: germline. Affected: yes. Observed: 2 variant alleles.
Comment: AR: BS2

PreventionGenetics, part of Exact Sciences
Classification: Likely benign for AR-related condition. Last evaluated: 2021-08-03. Review status: no assertion criteria provided. Collection method: clinical testing. Allele origin: germline. Not counted in ClinVar's aggregate classification.
Comment: This variant is classified as likely benign based on ACMG/AMP sequence variant interpretation guidelines (Richards et al. 2015 PMID: 25741868, with internal and published modifications).

NM_000044.6(AR):c.171GCA[13] (p.Gln71_Gln80del)

Genes: AR (androgen receptor; plus strand), LOC109504725 (androgen receptor repeat instability region; plus strand). Cytogenetic location: Xq12.
Variant type: Microsatellite.
Coding change: c.171GCA[13] on transcript NM_000044.6 (MANE Select); 13 copies in a row of the 3-base unit GCA starting at c.171; the reference has 23 copies in a row; ten copies, 30 bases deleted.
Protein change: p.Gln71_Gln80del.
Molecular consequence: inframe deletion. On other transcripts: 5 prime UTR variant (1).
Genome position (GRCh38, 1-based): chrX:67,545,356-67,545,385, GCAGCAGCAGCAGCAGCAGCAGCAGCAGCA deleted; deleting any 30 consecutive bases within chrX:67,545,317-67,545,385 gives the same sequence; the position shown is the placement nearest the transcript's 3' end. VCF-style (leftmost placement, unchanged base first): chrX-67545316-TGCAGCAGCAGCAGCAGCAGCAGCAGCAGCA-T. GRCh37 (hg19) VCF-style: chrX-66765158-TGCAGCAGCAGCAGCAGCAGCAGCAGCAGCA-T.
Other names: c.210_239del30 (NM_000044.3); c.-1613GCA[13] (NM_001011645.3); c.171GCA[13], p.Gln71_Gln80del (NM_001348061.1, NM_001348063.1, NM_001348064.1).
Identifiers: ClinVar variation 1166167 (VCV001166167.35), dbSNP rs3032358, ClinGen allele CA877548086.